The following is an entry in ClinVar:

NM_001711.6(BGN):c.169C>A (p.Pro57Thr)

Gene: BGN (biglycan; plus strand). Cytogenetic location: Xq28.
Variant type: single nucleotide variant.
Coding change: c.169C>A on transcript NM_001711.6 (MANE Select); coding-DNA position 169, C replaced by A.
Protein change: p.Pro57Thr; replaces proline 57 with threonine.
Molecular consequence: missense variant.
Genome position (GRCh38, 1-based): chrX:153,504,800, C>A. VCF-style: chrX-153504800-C-A. GRCh37 (hg19) VCF-style: chrX-152770258-C-A.
Other names: short protein forms P57T.
Identifiers: ClinVar variation 4867448 (VCV004867448.1).

ClinVar aggregate classification (germline): Uncertain significance (1 of 4 stars; one submission).

Conditions:
Cardiovascular phenotype. Identifiers: MedGen CN230736.

Submission:

Ambry Genetics
Classification: Uncertain significance for Cardiovascular phenotype. Last evaluated: 2026-04-12. Review status: criteria provided, single submitter. Criteria: Ambry Variant Classification Scheme 2023. Collection method: clinical testing. Allele origin: germline.
Comment: The p.P57T variant (also known as c.169C>A), located in coding exon 1 of the BGN gene, results from a C to A substitution at nucleotide position 169. The proline at codon 57 is replaced by threonine, an amino acid with highly similar properties. This amino acid position is conserved. In addition, this alteration is predicted to be tolerated by in silico analysis. Based on the available evidence, the clinical significance of this variant remains unclear.